The following is an entry in ClinVar:

NM_003737.4(DCHS1):c.8945C>T (p.Ala2982Val)

Gene: DCHS1 (dachsous cadherin-related 1; minus strand). Cytogenetic location: 11p15.4.
Variant type: single nucleotide variant.
Coding change: c.8945C>T on transcript NM_003737.4 (MANE Select); coding-DNA position 8945, C replaced by T.
Protein change: p.Ala2982Val; replaces alanine 2982 with valine.
Molecular consequence: missense variant.
Genome position (GRCh38, 1-based): chr11:6,622,731, G>A on the plus strand (C>T on the coding strand, the complement: DCHS1 is on the minus strand). VCF-style: chr11-6622731-G-A. GRCh37 (hg19) VCF-style: chr11-6643962-G-A.
Other names: short protein forms A2982V.
Identifiers: ClinVar variation 1916194 (VCV001916194.5), dbSNP rs1367253262, ClinGen allele CA379480037.

ClinVar aggregate classification (germline): Uncertain significance (1 of 4 stars; one submission).

Allele frequency attached by ClinVar (database versions not stated): TOPMed 0.00001.
gnomAD v4.1: 1 of 1,590,588 alleles (0.000063%); no homozygotes.

Submission:

Labcorp Genetics (formerly Invitae), Labcorp
Classification: Uncertain significance. Last evaluated: 2025-07-02. Review status: criteria provided, single submitter. Criteria: Invitae Variant Classification Sherloc (09022015). Collection method: clinical testing. Allele origin: germline.
Comment: This sequence change replaces alanine, which is neutral and non-polar, with valine, which is neutral and non-polar, at codon 2982 of the DCHS1 protein (p.Ala2982Val). This variant is not present in population databases (gnomAD no frequency). This variant has not been reported in the literature in individuals affected with DCHS1-related conditions. ClinVar contains an entry for this variant (Variation ID: 1916194). Invitae Evidence Modeling of protein sequence and biophysical properties (such as structural, functional, and spatial information, amino acid conservation, physicochemical variation, residue mobility, and thermodynamic stability) indicates that this missense variant is not expected to disrupt DCHS1 protein function with a negative predictive value of 95%. In summary, the available evidence is currently insufficient to determine the role of this variant in disease. Therefore, it has been classified as a Variant of Uncertain Significance.